The following is an entry in ClinVar:

NM_024577.4(SH3TC2):c.3094C>T (p.Arg1032Cys)

Gene: SH3TC2 (SH3 domain and tetratricopeptide repeats 2; minus strand). Cytogenetic location: 5q32.
Variant type: single nucleotide variant.
Coding change: c.3094C>T on transcript NM_024577.4 (MANE Select); coding-DNA position 3094, C replaced by T.
Protein change: p.Arg1032Cys; replaces arginine 1032 with cysteine.
Molecular consequence: missense variant.
Genome position (GRCh38, 1-based): chr5:149,012,694, G>A on the plus strand (C>T on the coding strand, the complement: SH3TC2 is on the minus strand). VCF-style: chr5-149012694-G-A. GRCh37 (hg19) VCF-style: chr5-148392257-G-A.
Other names: short protein forms R1032C.
Identifiers: ClinVar variation 543341 (VCV000543341.7), dbSNP rs375603885, ClinGen allele CA3498855.

ClinVar aggregate classification (germline): Uncertain significance. Review status: criteria provided, multiple submitters, no conflicts (2 of 4 stars). 2 submissions from 2 submitters: Uncertain significance (2). Last evaluated 2023-01-27.

Conditions:
Inborn genetic diseases. Identifiers: MedGen C0950123, MeSH D030342.
Charcot-Marie-Tooth disease type 4. Also called: Charcot-Marie-Tooth disease, type IV; Charcot-Marie-Tooth, Type 4. Identifiers: Orphanet 64749, MedGen C4082197, MONDO:0018995.

Allele frequency attached by ClinVar (database versions not stated): gnomAD 0.00001; ExAC 0.00002; TOPMed 0.00003; ESP Exome Variant Server 0.00008.
gnomAD v4.1: 25 of 1,614,012 alleles (0.0015%); highest among the groups gnomAD compares: South Asian, 0.0033%; no homozygotes.

Submissions (2):

Ambry Genetics
Classification: Uncertain significance for Inborn genetic diseases. Last evaluated: 2023-01-27. Review status: criteria provided, single submitter. Criteria: Ambry Variant Classification Scheme 2023. Collection method: clinical testing. Allele origin: germline.

Labcorp Genetics (formerly Invitae), Labcorp
Classification: Uncertain significance for Charcot-Marie-Tooth disease type 4. Last evaluated: 2021-09-01. Review status: criteria provided, single submitter. Criteria: Invitae Variant Classification Sherloc (09022015). Collection method: clinical testing. Allele origin: germline.
Comment: This sequence change replaces arginine with cysteine at codon 1032 of the SH3TC2 protein (p.Arg1032Cys). The arginine residue is highly conserved and there is a large physicochemical difference between arginine and cysteine. This variant is present in population databases (rs375603885, ExAC 0.006%). This variant has not been reported in the literature in individuals affected with SH3TC2-related conditions. Algorithms developed to predict the effect of missense changes on protein structure and function (SIFT, PolyPhen-2, Align-GVGD) all suggest that this variant is likely to be disruptive. In summary, the available evidence is currently insufficient to determine the role of this variant in disease. Therefore, it has been classified as a Variant of Uncertain Significance.

Literature cited by the submitters: PubMed 25614874 (cited by Ambry Genetics).